The following is an entry in ClinVar:

NM_001128159.3(VPS53):c.1110dup (p.Thr371fs)

Gene: VPS53 (VPS53 subunit of GARP complex; minus strand). Cytogenetic location: 17p13.3.
Variant type: Duplication.
Coding change: c.1110dup on transcript NM_001128159.3 (MANE Select); coding-DNA position 1110, one base duplicated (G; older notation c.1110dupG).
Protein change: p.Thr371fs; shifts the reading frame from threonine 371.
Molecular consequence: frameshift variant.
Genome position (GRCh38, 1-based): chr17:623,539, C duplicated on the plus strand (G on the coding strand, the reverse complement: VPS53 is on the minus strand); the first of 3 consecutive C bases (chr17:623,539-623,541); duplicating any one gives the same sequence. VCF-style (leftmost placement, unchanged base first): chr17-623538-T-TC. GRCh37 (hg19) VCF-style: chr17-526778-T-TC.
Other names: c.1110dup, p.Thr371fs (NM_001366253.2); c.516dup, p.Thr173fs (NM_001366254.2); c.1023dup, p.Thr342fs (NM_018289.4); short protein forms T173fs, T342fs, T371fs.
Identifiers: ClinVar variation 5014198 (VCV005014198.1).

ClinVar aggregate classification (germline): Pathogenic (1 of 4 stars; one submission).

Conditions:
Pontocerebellar hypoplasia type 2E. Identifiers: Orphanet 247198, MedGen C4014488, MONDO:0014370, OMIM 615851.

Submission:

Myriad Genetics, Inc.
Classification: Pathogenic for Pontocerebellar hypoplasia type 2E. Last evaluated: 2025-03-09. Review status: criteria provided, single submitter. Criteria: Myriad Autosomal Dominant, Autosomal Recessive and X-Linked Classification Criteria (2023). Collection method: clinical testing. Allele origin: unknown.
Comment: NM_001128159.2(VPS53):c.1110dupG(T371Dfs*6) is expected to be pathogenic in the context of pontocerebellar hypoplasia, VPS53-related. This variant is predicted to lead to an abnormal or absent protein product due to the creation of a premature termination codon in VPS53, a gene where loss-of-function variants are known to be pathogenic. Please note: this variant was assessed in the context of healthy population screening.